The following is an entry in ClinVar:

ClinVar aggregate classification (germline): Likely pathogenic (1 of 4 stars; one submission).

Conditions:
FBXO11-related disorder. Also called: FBXO11-related condition.

Submission:

Rady Children's Institute for Genomic Medicine, Rady Children's Hospital San Diego
Classification: Likely pathogenic for FBXO11-related disorder. Last evaluated: 2023-12-18. Review status: criteria provided, single submitter. Criteria: ACMG Guidelines, 2015. Collection method: clinical testing. Allele origin: germline. Affected: yes.
Comment: This frameshifting variant in exon 12 of 23 is predicted to result in loss of normal protein function through either protein truncation or nonsense-mediated mRNA decay. Loss-of-function variation in FBXO11 is an established mechanism of disease (PMID: 30679813). This variant has not been previously reported or functionally characterized in the literature to our knowledge. This result was confirmed by orthogonal testing. The c.1574_1575del (p.Phe525CysfsTer9) variant is absent from the gnomAD population database and thus is presumed to be rare. Analysis of the parental samples was negative for the variant, indicating this variant likely occurred as a de novo event. Based on the available evidence, c.1574_1575del (p.Phe525CysfsTer9) is classified as Likely Pathogenic.

NM_001190274.2(FBXO11):c.1574_1575del (p.Phe525fs)

Gene: FBXO11 (F-box protein 11; minus strand). Cytogenetic location: 2p16.3.
Variant type: Deletion.
Coding change: c.1574_1575del on transcript NM_001190274.2 (MANE Select); coding-DNA positions 1574 to 1575, 2 bases deleted (TT; older notation c.1574_1575delTT).
Protein change: p.Phe525fs; shifts the reading frame from phenylalanine 525.
Molecular consequence: frameshift variant.
Genome position (GRCh38, 1-based): chr2:47,823,184-47,823,185, AA deleted on the plus strand (TT on the coding strand, the reverse complement: FBXO11 is on the minus strand); deleting any 2 consecutive bases within chr2:47,823,184-47,823,186 gives the same sequence; the c. name uses the placement nearest the transcript's 3' end. VCF-style (leftmost placement, unchanged base first): chr2-47823183-CAA-C. GRCh37 (hg19) VCF-style: chr2-48050322-CAA-C.
Other names: c.1322_1323del, p.Phe441fs (NM_001374325.1, NM_025133.4); short protein forms F441fs, F525fs.
Identifiers: ClinVar variation 3773860 (VCV003773860.1).